The following is an entry in ClinVar:

ClinVar aggregate classification (germline): Uncertain significance. Review status: criteria provided, multiple submitters, no conflicts (2 of 4 stars). 2 submissions from 2 submitters: Uncertain significance (2). Last evaluated 2026-05-30.

Conditions:
Hereditary cancer-predisposing syndrome. Also called: Tumor predisposition; Hereditary neoplastic syndrome; Neoplastic Syndromes, Hereditary; Hereditary Cancer Syndrome. Identifiers: Orphanet 140162, MedGen C0027672, MeSH D009386, MONDO:0015356.

Allele frequency attached by ClinVar (database versions not stated): TOPMed below 0.00001.

Submissions (2):

Ambry Genetics
Classification: Uncertain significance for Hereditary cancer-predisposing syndrome. Last evaluated: 2026-05-30. Review status: criteria provided, single submitter. Criteria: Ambry Variant Classification Scheme 2023. Collection method: clinical testing. Allele origin: germline.
Comment: The p.D699E variant (also known as c.2097T>A), located in coding exon 14 of the CTNNA1 gene, results from a T to A substitution at nucleotide position 2097. The aspartic acid at codon 699 is replaced by glutamic acid, an amino acid with highly similar properties. This amino acid position is conserved. In addition, the in silico prediction for this alteration is inconclusive. Based on the available evidence, the clinical significance of this variant remains unclear.

Labcorp Genetics (formerly Invitae), Labcorp
Classification: Uncertain significance. Last evaluated: 2022-12-15. Review status: criteria provided, single submitter. Criteria: Invitae Variant Classification Sherloc (09022015). Collection method: clinical testing. Allele origin: germline.
Comment: Advanced modeling of protein sequence and biophysical properties (such as structural, functional, and spatial information, amino acid conservation, physicochemical variation, residue mobility, and thermodynamic stability) performed at Invitae indicates that this missense variant is not expected to disrupt CTNNA1 protein function. This variant has not been reported in the literature in individuals affected with CTNNA1-related conditions. This variant is not present in population databases (gnomAD no frequency). This sequence change replaces aspartic acid, which is acidic and polar, with glutamic acid, which is acidic and polar, at codon 699 of the CTNNA1 protein (p.Asp699Glu). In summary, the available evidence is currently insufficient to determine the role of this variant in disease. Therefore, it has been classified as a Variant of Uncertain Significance.

NM_001903.5(CTNNA1):c.2097T>A (p.Asp699Glu)

Gene: CTNNA1 (catenin alpha 1; plus strand). Cytogenetic location: 5q31.2.
Variant type: single nucleotide variant.
Coding change: c.2097T>A on transcript NM_001903.5 (MANE Select); coding-DNA position 2097, T replaced by A.
Protein change: p.Asp699Glu; replaces aspartic acid 699 with glutamic acid.
Molecular consequence: missense variant.
Genome position (GRCh38, 1-based): chr5:138,930,559, T>A. VCF-style: chr5-138930559-T-A. GRCh37 (hg19) VCF-style: chr5-138266248-T-A.
Other names: c.2097T>A, p.Asp699Glu (NM_001290307.3, NM_001323982.2, NM_001323983.1 and 2 more transcripts); c.1788T>A, p.Asp596Glu (NM_001290309.3); c.1728T>A, p.Asp576Glu (NM_001290310.3); c.987T>A, p.Asp329Glu (NM_001290312.1, NM_001323987.1, NM_001323988.1 and 17 more transcripts); c.2004T>A, p.Asp668Glu (NM_001323986.2); c.648T>A, p.Asp216Glu (NM_001324006.1, NM_001324007.1, NM_001324008.1 and 2 more transcripts); c.894T>A, p.Asp298Glu (NM_001324011.1); c.744T>A, p.Asp248Glu (NM_001324012.1, NM_001324013.1); and 1 more; short protein forms D596E, D216E, D298E, D668E, D576E, D699E, D248E, D329E.
Identifiers: ClinVar variation 2820958 (VCV002820958.4), dbSNP rs1580908424, ClinGen allele CA361133495.